The following is an entry in ClinVar:

NM_001288705.3(CSF1R):c.1047del (p.Lys350fs)

Gene: CSF1R (colony stimulating factor 1 receptor; minus strand). Cytogenetic location: 5q32.
Variant type: Deletion.
Coding change: c.1047del on transcript NM_001288705.3 (MANE Select); coding-DNA position 1047, one base deleted (C; older notation c.1047delC).
Protein change: p.Lys350fs; shifts the reading frame from lysine 350.
Molecular consequence: frameshift variant. On other transcripts: non-coding transcript variant (2).
Genome position (GRCh38, 1-based): chr5:150,073,336, G deleted on the plus strand (C on the coding strand, the reverse complement: CSF1R is on the minus strand); the first of 3 consecutive G bases (chr5:150,073,336-150,073,338); deleting any one gives the same sequence. VCF-style (leftmost placement, unchanged base first): chr5-150073335-TG-T. GRCh37 (hg19) VCF-style: chr5-149452898-TG-T.
Other names: c.1047del, p.Lys350fs (NM_001349736.2, NM_001375320.1, NM_005211.4); c.603del, p.Lys202fs (NM_001375321.1); short protein forms K350fs, K202fs.
Identifiers: ClinVar variation 2790058 (VCV002790058.3), dbSNP rs2481020701, ClinGen allele CA2739272744.

ClinVar aggregate classification (germline): Pathogenic (1 of 4 stars; one submission).

Submission:

Labcorp Genetics (formerly Invitae), Labcorp
Classification: Pathogenic. Last evaluated: 2023-10-20. Review status: criteria provided, single submitter. Criteria: Invitae Variant Classification Sherloc (09022015). Collection method: clinical testing. Allele origin: germline.
Comment: This sequence change creates a premature translational stop signal (p.Lys350Serfs*22) in the CSF1R gene. It is expected to result in an absent or disrupted protein product. Loss-of-function variants in CSF1R are known to be pathogenic (PMID: 22046273, 24120500, 24145216, 24336230, 30982608, 30982609). This variant is not present in population databases (gnomAD no frequency). This variant has not been reported in the literature in individuals affected with CSF1R-related conditions. For these reasons, this variant has been classified as Pathogenic.

Literature cited by the submitters: PubMed 22046273; PubMed 24120500; PubMed 24145216; PubMed 24336230; PubMed 30982608; PubMed 30982609.